The following is an entry in ClinVar:

ClinVar aggregate classification (germline): Uncertain significance. Review status: criteria provided, multiple submitters, no conflicts (2 of 4 stars). 2 submissions from 2 submitters: Uncertain significance (2). Last evaluated 2025-01-14.

Conditions:
Epileptic encephalopathy. Identifiers: MedGen C0543888, HP:0200134.

Allele frequency attached by ClinVar (database versions not stated): gnomAD 0.00001 and 0.00003; TOPMed 0.00002; gnomAD exomes 0.00003 and 0.00009; 1000 Genomes Project 0.00020; ExAC 0.00020; 1000 Genomes Project 30x 0.00031.
gnomAD v4.1: 52 of 1,580,014 alleles (0.0033%); highest among the groups gnomAD compares: South Asian, 0.048%; no homozygotes.

Submissions (2):

Labcorp Genetics (formerly Invitae), Labcorp
Classification: Uncertain significance for Epileptic encephalopathy. Last evaluated: 2025-01-14. Review status: criteria provided, single submitter. Criteria: Invitae Variant Classification Sherloc (09022015). Collection method: clinical testing. Allele origin: germline.
Comment: This sequence change replaces serine, which is neutral and polar, with asparagine, which is neutral and polar, at codon 1237 of the FASN protein (p.Ser1237Asn). This variant is present in population databases (rs548731852, gnomAD 0.06%). This variant has not been reported in the literature in individuals affected with FASN-related conditions. ClinVar contains an entry for this variant (Variation ID: 1381012). An algorithm developed to predict the effect of missense changes on protein structure and function outputs the following: PolyPhen-2: "Benign". The asparagine amino acid residue is found in multiple mammalian species, which suggests that this missense change does not adversely affect protein function. In summary, the available evidence is currently insufficient to determine the role of this variant in disease. Therefore, it has been classified as a Variant of Uncertain Significance.

Ambry Genetics
Classification: Uncertain significance. Last evaluated: 2024-01-09. Review status: criteria provided, single submitter. Criteria: Ambry Variant Classification Scheme 2023. Collection method: clinical testing. Allele origin: germline.

NM_004104.5(FASN):c.3710G>A (p.Ser1237Asn)

Gene: FASN (fatty acid synthase; minus strand). Cytogenetic location: 17q25.3.
Variant type: single nucleotide variant.
Coding change: c.3710G>A on transcript NM_004104.5 (MANE Select); coding-DNA position 3710, G replaced by A.
Protein change: p.Ser1237Asn; replaces serine 1237 with asparagine.
Molecular consequence: missense variant.
Genome position (GRCh38, 1-based): chr17:82,086,276, C>T on the plus strand (G>A on the coding strand, the complement: FASN is on the minus strand). VCF-style: chr17-82086276-C-T. GRCh37 (hg19) VCF-style: chr17-80044152-C-T.
Other names: c.3710G>A (NM_004104.4); short protein forms S1237N.
Identifiers: ClinVar variation 1381012 (VCV001381012.7), dbSNP rs548731852, ClinGen allele CA8852300.